The following is an entry in ClinVar:

NM_001365693.1(MGAM):c.3465C>G (p.Ser1155=)

Gene: MGAM (maltase-glucoamylase; plus strand). Cytogenetic location: 7q34.
Variant type: single nucleotide variant.
Coding change: c.3465C>G on transcript NM_001365693.1 (MANE Select); coding-DNA position 3465, C replaced by G.
Protein change: p.Ser1155=; no amino-acid change (serine 1155 retained).
Molecular consequence: synonymous variant.
Genome position (GRCh38, 1-based): chr7:142,055,708, C>G. VCF-style: chr7-142055708-C-G. GRCh37 (hg19) VCF-style: chr7-141755508-C-G.
Other names: c.3465C>G, p.Ser1155= (NM_004668.3).
Identifiers: ClinVar variation 3234388 (VCV003234388.20), dbSNP rs1404099248, ClinGen allele CA2778196830.

ClinVar aggregate classification (germline): Likely benign (1 of 4 stars; one submission).

Submission:

CeGaT Center for Human Genetics Tuebingen
Classification: Likely benign. Last evaluated: 2024-03-01. Review status: criteria provided, single submitter. Criteria: CeGaT Center For Human Genetics Tuebingen Variant Classification Criteria Version 2. Collection method: clinical testing. Allele origin: germline. Affected: yes. Observed: 1 variant allele.
Comment: MGAM: PM2:Supporting, BP4, BP7